The following is an entry in ClinVar:

ClinVar aggregate classification (germline): Uncertain significance (1 of 4 stars; one submission).

Conditions:
Smith-McCort dysplasia 2 (SMC2). Identifiers: MedGen C3714896, MONDO:0014087, OMIM 615222.

Submission:

Institute of Immunology and Genetics Kaiserslautern
Classification: Uncertain significance for Smith-McCort dysplasia 2. Last evaluated: 2024-01-19. Review status: criteria provided, single submitter. Criteria: ACMG Guidelines, 2015. Collection method: clinical testing. Allele origin: biparental. Affected: yes.
Comment: ACMG Criteria: PM2, PP2, PP3, PP4; Variant was found in a homozygous state

NM_031296.3(RAB33B):c.133G>A (p.Gly45Ser)

Gene: RAB33B (RAB33B, member RAS oncogene family; plus strand). Cytogenetic location: 4q31.1.
Variant type: single nucleotide variant.
Coding change: c.133G>A on transcript NM_031296.3 (MANE Select); coding-DNA position 133, G replaced by A.
Protein change: p.Gly45Ser; replaces glycine 45 with serine.
Molecular consequence: missense variant.
Genome position (GRCh38, 1-based): chr4:139,454,328, G>A. VCF-style: chr4-139454328-G-A. GRCh37 (hg19) VCF-style: chr4-140375482-G-A.
Other names: short protein forms G45S.
Identifiers: ClinVar variation 2687888 (VCV002687888.1), dbSNP rs2530585991, ClinGen allele CA358271761.